The following is an entry in ClinVar:

NM_000239.3(LYZ):c.382G>A (p.Val128Met)

Gene: LYZ (lysozyme; plus strand). Cytogenetic location: 12q15.
Variant type: single nucleotide variant.
Coding change: c.382G>A on transcript NM_000239.3 (MANE Select); coding-DNA position 382, G replaced by A.
Protein change: p.Val128Met; replaces valine 128 with methionine.
Molecular consequence: missense variant.
Genome position (GRCh38, 1-based): chr12:69,353,154, G>A. VCF-style: chr12-69353154-G-A. GRCh37 (hg19) VCF-style: chr12-69746934-G-A.
Other names: short protein forms V128M.
Identifiers: ClinVar variation 2872515 (VCV002872515.3), dbSNP rs551709281, ClinGen allele CA6679808.

ClinVar aggregate classification (germline): Uncertain significance (1 of 4 stars; one submission).

Allele frequency attached by ClinVar (database versions not stated): 1000 Genomes Project 0.00020; gnomAD 0.00005; 1000 Genomes Project 30x 0.00016; ExAC 0.00002; TOPMed 0.00006.
gnomAD v4.1: 24 of 1,611,914 alleles (0.0015%); highest among the groups gnomAD compares: African/African-American, 0.024%; no homozygotes.

Submission:

Labcorp Genetics (formerly Invitae), Labcorp
Classification: Uncertain significance. Last evaluated: 2025-06-12. Review status: criteria provided, single submitter. Criteria: Invitae Variant Classification Sherloc (09022015). Collection method: clinical testing. Allele origin: germline.
Comment: This sequence change replaces valine, which is neutral and non-polar, with methionine, which is neutral and non-polar, at codon 128 of the LYZ protein (p.Val128Met). This variant is present in population databases (rs551709281, gnomAD 0.02%). This variant has not been reported in the literature in individuals affected with LYZ-related conditions. ClinVar contains an entry for this variant (Variation ID: 2872515). An algorithm developed to predict the effect of missense changes on protein structure and function (PolyPhen-2) suggests that this variant is likely to be tolerated. In summary, the available evidence is currently insufficient to determine the role of this variant in disease. Therefore, it has been classified as a Variant of Uncertain Significance.